The following is an entry in ClinVar:

ClinVar aggregate classification (germline): Pathogenic (1 of 4 stars; one submission).

Conditions:
Spinocerebellar ataxia 42, early-onset, severe, with neurodevelopmental deficits. Identifiers: MedGen C4748120, MONDO:0060758, OMIM 618087.

Submission:

Imagene.me medical diagnostic laboratory, IMAGENE.ME SA
Classification: Pathogenic for Spinocerebellar ataxia 42, early-onset, severe, with neurodevelopmental deficits. Review status: criteria provided, single submitter. Criteria: IMAGENE.ME Variant Classification SOP 2022. Collection method: clinical testing. Allele origin: de novo. Affected: yes.
Comment: Classified according to the IMAGENE.ME variant classification SOP based on the ACMG guidelines as Pathogenic (P): PS2 + PM1 + PM2 + PP3_Moderate + PP2

NM_018896.5(CACNA1G):c.[5544C>A;5546T>A]

Variant type: Haplotype.
Identifiers: ClinVar variation 4685490 (VCV004685490.1).